The following is an entry in ClinVar:

ClinVar aggregate classification (germline): Uncertain significance. Review status: criteria provided, multiple submitters, no conflicts (2 of 4 stars). 3 submissions from 3 submitters: Uncertain significance (3). Last evaluated 2025-10-22.

Conditions:
Multicentric osteolysis nodulosis arthropathy spectrum. Identifiers: Orphanet 3460, Orphanet 371428, MedGen C1850155, MONDO:0018298.
Multicentric osteolysis, nodulosis, and arthropathy (MONA). Also called: Torg-Winchester syndrome; AL-AQEEL SEWAIRI SYNDROME; OSTEOLYSIS, HEREDITARY MULTICENTRIC; TORG SYNDROME; NAO SYNDROME. Identifiers: MedGen CN322832, MONDO:0009809, OMIM 259600.

Allele frequency attached by ClinVar (database versions not stated): TOPMed 0.00002; gnomAD 0.00011; 1000 Genomes Project 30x 0.00031.

Submissions (3):

Labcorp Genetics (formerly Invitae), Labcorp
Classification: Uncertain significance. Last evaluated: 2025-10-22. Review status: criteria provided, single submitter. Criteria: Invitae Variant Classification Sherloc (09022015). Collection method: clinical testing. Allele origin: germline.
Comment: This sequence change replaces arginine, which is basic and polar, with leucine, which is neutral and non-polar, at codon 115 of the MMP2 protein (p.Arg115Leu). This variant is present in population databases (rs112710941, gnomAD 0.1%). This variant has not been reported in the literature in individuals affected with MMP2-related conditions. ClinVar contains an entry for this variant (Variation ID: 885136). Invitae Evidence Modeling of protein sequence and biophysical properties (such as structural, functional, and spatial information, amino acid conservation, physicochemical variation, residue mobility, and thermodynamic stability) indicates that this missense variant is not expected to disrupt MMP2 protein function with a negative predictive value of 80%. In summary, the available evidence is currently insufficient to determine the role of this variant in disease. Therefore, it has been classified as a Variant of Uncertain Significance.

Fulgent Genetics
Classification: Uncertain significance for Multicentric osteolysis, nodulosis, and arthropathy. Last evaluated: 2024-06-16. Review status: criteria provided, single submitter. Criteria: ACMG Guidelines, 2015. Collection method: clinical testing. Allele origin: germline.

Illumina Laboratory Services, Illumina
Classification: Uncertain significance for Multicentric osteolysis, nodulosis, and arthropathy. Last evaluated: 2018-01-12. Review status: criteria provided, single submitter. Criteria: ICSL Variant Classification Criteria 13 December 2019. Collection method: clinical testing. Allele origin: germline.

NM_004530.6(MMP2):c.344G>T (p.Arg115Leu)

Gene: MMP2 (matrix metallopeptidase 2; plus strand). Cytogenetic location: 16q12.2.
Variant type: single nucleotide variant.
Coding change: c.344G>T on transcript NM_004530.6 (MANE Select); coding-DNA position 344, G replaced by T.
Protein change: p.Arg115Leu; replaces arginine 115 with leucine.
Molecular consequence: missense variant.
Genome position (GRCh38, 1-based): chr16:55,483,099, G>T. VCF-style: chr16-55483099-G-T. GRCh37 (hg19) VCF-style: chr16-55517011-G-T.
Other names: c.194G>T, p.Arg65Leu (NM_001127891.3); c.116G>T, p.Arg39Leu (NM_001302508.1, NM_001302509.2, NM_001302510.2); short protein forms R65L, R39L, R115L.
Identifiers: ClinVar variation 885136 (VCV000885136.6), dbSNP rs112710941, ClinGen allele CA8060052.